The following is an entry in ClinVar:

NM_006415.4(SPTLC1):c.560+16G>C

Gene: SPTLC1 (serine palmitoyltransferase long chain base subunit 1; minus strand). Cytogenetic location: 9q22.31.
Variant type: single nucleotide variant.
Coding change: c.560+16G>C on transcript NM_006415.4 (MANE Select); 16 bases into the intron after coding-DNA position 560, G replaced by C.
Molecular consequence: intron variant.
Genome position (GRCh38, 1-based): chr9:92,067,950, C>G on the plus strand (G>C on the coding strand, the complement: SPTLC1 is on the minus strand). VCF-style: chr9-92067950-C-G. GRCh37 (hg19) VCF-style: chr9-94830232-C-G.
Other names: c.560+16G>C (NM_001281303.2); c.194+16G>C (NM_001368272.1); c.95+16G>C (NM_001368273.1).
Identifiers: ClinVar variation 139321 (VCV000139321.13), dbSNP rs73512337, ClinGen allele CA293765.

ClinVar aggregate classification (germline): Benign. Review status: criteria provided, multiple submitters, no conflicts (2 of 4 stars). 6 submissions from 6 submitters: Benign (4). 2 of the submissions do not count toward it. Last evaluated 2026-02-03.

Conditions:
Neuropathy, hereditary sensory and autonomic, type 1A (HSAN1A). Also called: SPTLC1-Related Hereditary Sensory Neuropathy; HSAN IA; HSN IA; NEUROPATHY, HEREDITARY SENSORY RADICULAR, AUTOSOMAL DOMINANT, TYPE 1A; NEUROPATHY, HEREDITARY SENSORY AND AUTONOMIC, TYPE IA. Identifiers: MedGen C5235211, MONDO:0008086, OMIM 162400.
Charcot-Marie-Tooth disease. Also called: Charcot-Marie-Tooth Neuropathy; Charcot-Marie-Tooth Hereditary Neuropathy. Identifiers: Orphanet 166, MedGen C0007959, MONDO:0015626.
Hereditary sensory and autonomic neuropathy type 1 (HSAN1). Also called: Hereditary Sensory Neuropathy Type I; HSAN 1; HSN Type I. Identifiers: Orphanet 36386, MedGen C0020071, MONDO:0018213.

Allele frequency attached by ClinVar (database versions not stated): 1000 Genomes Project 0.15076; 1000 Genomes Project 30x 0.15678; ESP Exome Variant Server 0.17092; gnomAD 0.16685; TOPMed 0.16615.
gnomAD v4.1: 165,103 of 1,612,380 alleles (10%); highest among the groups gnomAD compares: African/African-American, 33%; 10,968 homozygotes.

Submissions (6):

Labcorp Genetics (formerly Invitae), Labcorp
Classification: Benign for Hereditary sensory and autonomic neuropathy type 1. Last evaluated: 2026-02-03. Review status: criteria provided, single submitter. Criteria: Invitae Variant Classification Sherloc (09022015). Collection method: clinical testing. Allele origin: germline.

GeneDx
Classification: Benign. Last evaluated: 2014-01-28. Review status: criteria provided, single submitter. Criteria: GeneDx Variant Classification (06012015). Collection method: clinical testing. Allele origin: germline. Affected: yes.
Comment: This variant is considered likely benign or benign based on one or more of the following criteria: it is a conservative change, it occurs at a poorly conserved position in the protein, it is predicted to be benign by multiple in silico algorithms, and/or has population frequency not consistent with disease.

Breakthrough Genomics
Classification: Benign. Review status: criteria provided, single submitter. Criteria: ACMG Guidelines, 2015. Collection method: not provided. Allele origin: germline. Inheritance: Autosomal dominant inheritance. Affected: yes.

Molecular Genetics Laboratory, London Health Sciences Centre
Classification: Benign for Charcot-Marie-Tooth disease. Review status: criteria provided, single submitter. Criteria: ACMG Guidelines, 2015. Collection method: clinical testing. Allele origin: germline. Affected: yes.

Clinical Genetics, Academic Medical Center
Classification: Benign. Review status: no assertion criteria provided. Collection method: clinical testing. Allele origin: germline. Affected: yes. Study: VKGL Data-share Consensus. Not counted in ClinVar's aggregate classification.

Diagnostic Laboratory, Department of Genetics, University Medical Center Groningen
Classification: Benign for Neuropathy, hereditary sensory and autonomic, type 1A. Review status: no assertion criteria provided. Collection method: clinical testing. Allele origin: germline. Affected: yes. Study: VKGL Data-share Consensus. Not counted in ClinVar's aggregate classification.